The following is an entry in ClinVar:

NM_024426.6(WT1):c.275G>A (p.Gly92Asp)

Genes: WT1 (WT1 transcription factor; minus strand), LOC107982234 (WT1/WT1-AS bi-directional promoter region; plus strand). Cytogenetic location: 11p13.
Variant type: single nucleotide variant.
Coding change: c.275G>A on transcript NM_024426.6 (MANE Select); coding-DNA position 275, G replaced by A.
Protein change: p.Gly92Asp; replaces glycine 92 with aspartic acid.
Molecular consequence: missense variant. On other transcripts: non-coding transcript variant (2).
Genome position (GRCh38, 1-based): chr11:32,435,086, C>T on the plus strand (G>A on the coding strand, the complement: WT1 is on the minus strand). VCF-style: chr11-32435086-C-T. GRCh37 (hg19) VCF-style: chr11-32456632-C-T.
Other names: c.275G>A, p.Gly92Asp (NM_000378.6, NM_001407044.1, NM_001407045.1 and 6 more transcripts); c.56G>A, p.Gly19Asp (NM_001429031.1, NM_001429032.1, NM_001429033.1 and 1 more transcripts); c.260G>A, p.Gly87Asp (NM_024425.2); short protein forms G19D, G87D, G92D.
Identifiers: ClinVar variation 3071613 (VCV003071613.1), dbSNP rs2494484782, ClinGen allele CA379966023.

ClinVar aggregate classification (germline): Uncertain significance (1 of 4 stars; one submission).

Conditions:
Wilms tumor 1 (WT1). Also called: Wilms tumor, somatic. Identifiers: Orphanet 654, MedGen CN033288, MONDO:0008679, OMIM 194070.

Submission:

All of Us Research Program, National Institutes of Health
Classification: Uncertain significance for Wilms tumor 1. Last evaluated: 2023-06-08. Review status: criteria provided, single submitter. Criteria: ACMG Guidelines, 2015. Collection method: clinical testing. Allele origin: germline. Inheritance: Autosomal dominant inheritance. Observed: 1 variant allele, 1 heterozygote.
Comment: This missense variant replaces glycine with aspartic acid at codon 87 of the WT1 protein. Computational prediction suggests that this variant may not impact protein structure and function (internally defined REVEL score threshold <= 0.5, PMID: 27666373). To our knowledge, functional studies have not been reported for this variant. This variant has not been reported in individuals affected with WT1-related disorders in the literature. This variant has not been identified in the general population by the Genome Aggregation Database (gnomAD). The available evidence is insufficient to determine the role of this variant in disease conclusively. Therefore, this variant is classified as a Variant of Uncertain Significance.

This study involves interpretation of variants in research participants for the purpose of population health screening. Participant phenotype was not available at the time of variant classification. Additional details can be found in publication PMID: 35346344, PMCID: PMC8962531